The following is an entry in ClinVar:

ClinVar aggregate classification (germline): Uncertain significance (1 of 4 stars; one submission).

Conditions:
Neuropathy, hereditary sensory, type 2C. Also called: KIF1A-Related HSAN2 (HSAN2C); Hereditary sensory and autonomic neuropathy type IIC. Identifiers: Orphanet 970, MedGen C3280168, MONDO:0013634, OMIM 614213.
Hereditary spastic paraplegia 30. Identifiers: Orphanet 101010, MedGen C5235139, MONDO:0012476.
Intellectual disability, autosomal dominant 9 (NESCAVS). Also called: NESCAV SYNDROME; KIF1A-Related Neurodevelopmental Disorder. Identifiers: Orphanet 662367, MedGen C5393830, MONDO:0013656, OMIM 614255.

gnomAD v4.1: 1 of 1,604,396 alleles (0.000062%); highest among the groups gnomAD compares: Non-Finnish European, 0.000085%; no homozygotes.

Submission:

Labcorp Genetics (formerly Invitae), Labcorp
Classification: Uncertain significance for Hereditary spastic paraplegia 30; Neuropathy, hereditary sensory, type 2C; Intellectual disability, autosomal dominant 9. Last evaluated: 2023-05-20. Review status: criteria provided, single submitter. Criteria: Invitae Variant Classification Sherloc (09022015). Collection method: clinical testing. Allele origin: germline.
Comment: In summary, the available evidence is currently insufficient to determine the role of this variant in disease. Therefore, it has been classified as a Variant of Uncertain Significance. Algorithms developed to predict the effect of sequence changes on RNA splicing suggest that this variant may create or strengthen a splice site. This variant has not been reported in the literature in individuals affected with KIF1A-related conditions. This variant is not present in population databases (gnomAD no frequency). This sequence change affects codon 1055 of the KIF1A mRNA. It is a 'silent' change, meaning that it does not change the encoded amino acid sequence of the KIF1A protein.

NM_001244008.2(KIF1A):c.3468C>A (p.Ile1156=)

Gene: KIF1A (kinesin family member 1A; minus strand). Cytogenetic location: 2q37.3.
Variant type: single nucleotide variant.
Coding change: c.3468C>A on transcript NM_001244008.2 (MANE Select); coding-DNA position 3468, C replaced by A.
Protein change: p.Ile1156=; no amino-acid change (isoleucine 1156 retained).
Molecular consequence: synonymous variant.
Genome position (GRCh38, 1-based): chr2:240,744,058, G>T on the plus strand (C>A on the coding strand, the complement: KIF1A is on the minus strand). VCF-style: chr2-240744058-G-T. GRCh37 (hg19) VCF-style: chr2-241683475-G-T.
Other names: c.3192C>A, p.Ile1064= (NM_001320705.2, NM_001330289.2, NM_001379638.1); c.3267C>A, p.Ile1089= (NM_001330290.2, NM_001379634.1, NM_001379635.1 and 1 more transcripts); c.3543C>A, p.Ile1181= (NM_001379631.1); c.3417C>A, p.Ile1139= (NM_001379632.1); c.3441C>A, p.Ile1147= (NM_001379633.1, NM_001379642.1, NM_001379645.1); c.3165C>A, p.Ile1055= (NM_001379636.1, NM_001379639.1, NM_001379641.1 and 6 more transcripts); c.3240C>A, p.Ile1080= (NM_001379637.1, NM_001379648.1); c.3162C>A, p.Ile1054= (NM_001379640.1).
Identifiers: ClinVar variation 2947983 (VCV002947983.3), dbSNP rs201981364, ClinGen allele CA432028513.